The following is an entry in ClinVar:

NM_001164508.2(NEB):c.3698A>G (p.Asp1233Gly)

Gene: NEB (nebulin; minus strand). Cytogenetic location: 2q23.3.
Variant type: single nucleotide variant.
Coding change: c.3698A>G on transcript NM_001164508.2 (MANE Select); coding-DNA position 3698, A replaced by G.
Protein change: p.Asp1233Gly; replaces aspartic acid 1233 with glycine.
Molecular consequence: missense variant.
Genome position (GRCh38, 1-based): chr2:151,677,641, T>C on the plus strand (A>G on the coding strand, the complement: NEB is on the minus strand). VCF-style: chr2-151677641-T-C. GRCh37 (hg19) VCF-style: chr2-152534155-T-C.
Other names: c.3698A>G, p.Asp1233Gly (NM_001164507.2, NM_001271208.2, NM_004543.5); short protein forms D1233G.
Identifiers: ClinVar variation 2147622 (VCV002147622.1), dbSNP rs569902276, ClinGen allele CA57657308.
Genomic context (GRCh38, chr2:151,677,641, plus strand): 5'-GTGTTCTGTTTTGCCTGGACCATAACTGGGGAGTCCACAATGCTGGTAAATTTGAGGGTG[T>C]CTGGATGTTGCCTGTACTTCTTTTCATTCAGAGCATCACCGGCCTTTTTAACTTTTTCGA-3'
Protein context (NP_001157980.2, residues 1223-1243): LNEKKYRQHP[Asp1233Gly]TLKFTSIVDS

ClinVar aggregate classification (germline): Uncertain significance (1 of 4 stars; one submission).

Conditions:
Nemaline myopathy 2 (NEM2). Also called: Nemaline myopathy 2, autosomal recessive. Identifiers: MedGen C1850569, MONDO:0009725, OMIM 256030.

Allele frequency attached by ClinVar (database versions not stated): gnomAD 0.00001; TOPMed 0.00002.
gnomAD v4.1: 22 of 1,613,862 alleles (0.0014%); highest among the groups gnomAD compares: East Asian, 0.0022%; no homozygotes.

Submission:

Labcorp Genetics (formerly Invitae), Labcorp
Classification: Uncertain significance for Nemaline myopathy 2. Last evaluated: 2022-08-14. Review status: criteria provided, single submitter. Criteria: Invitae Variant Classification Sherloc (09022015). Collection method: clinical testing. Allele origin: germline.
Comment: This sequence change replaces aspartic acid, which is acidic and polar, with glycine, which is neutral and non-polar, at codon 1233 of the NEB protein (p.Asp1233Gly). This variant is present in population databases (rs569902276, gnomAD 0.006%). This variant has not been reported in the literature in individuals affected with NEB-related conditions. Algorithms developed to predict the effect of missense changes on protein structure and function are either unavailable or do not agree on the potential impact of this missense change (SIFT: "Deleterious"; PolyPhen-2: "Not Available"; Align-GVGD: "Class C0"). In summary, the available evidence is currently insufficient to determine the role of this variant in disease. Therefore, it has been classified as a Variant of Uncertain Significance.